The following is an entry in ClinVar:

NM_005901.6(SMAD2):c.935G>C (p.Cys312Ser)

Gene: SMAD2 (SMAD family member 2; minus strand). Cytogenetic location: 18q21.1.
Variant type: single nucleotide variant.
Coding change: c.935G>C on transcript NM_005901.6 (MANE Select); coding-DNA position 935, G replaced by C.
Protein change: p.Cys312Ser; replaces cysteine 312 with serine.
Molecular consequence: missense variant.
Genome position (GRCh38, 1-based): chr18:47,848,537, C>G on the plus strand (G>C on the coding strand, the complement: SMAD2 is on the minus strand). VCF-style: chr18-47848537-C-G. GRCh37 (hg19) VCF-style: chr18-45374908-C-G.
Other names: c.935G>C, p.Cys312Ser (NM_001003652.4); c.845G>C, p.Cys282Ser (NM_001135937.3); short protein forms C282S, C312S.
Identifiers: ClinVar variation 208683 (VCV000208683.7), dbSNP rs797044882, ClinGen allele CA249847.

ClinVar aggregate classification (germline): Pathogenic. Review status: criteria provided, single submitter (1 of 4 stars). 2 submissions from 2 submitters: Pathogenic (1). 1 of the submissions does not count toward it. Last evaluated 2014-09-03.

Conditions:
Congenital heart defects, multiple types, 8, with or without heterotaxy. Identifiers: MedGen C5562042, MONDO:0859213, OMIM 619657.
Inborn genetic diseases. Identifiers: MedGen C0950123, MeSH D030342.

Submissions (2):

Ambry Genetics
Classification: Pathogenic for Inborn genetic diseases. Last evaluated: 2014-09-03. Review status: criteria provided, single submitter. Criteria: Ambry Variant Classification Scheme 2023. Collection method: clinical testing. Allele origin: germline.
Comment: The c.935G>C (p.C312S) alteration is located in exon 8 (coding exon 7) of the SMAD2 gene. This alteration results from a G to C substitution at nucleotide position 935, causing the cysteine (C) at amino acid position 312 to be replaced by a serine (S). The alteration is not observed in healthy cohorts:_x000D_ Based on data from the NHLBI Exome Sequencing Project (ESP), the SMAD2 c.935G>C alteration was not observed among 6490 individuals tested. Allele frequency data for this nucleotide position are not currently available from the 1000 Genomes Project and the alteration is not currently listed in the Database of Single Nucleotide Polymorphisms (dbSNP). This nucleotide position is completely conserved on sequence alignment.This amino acid position is completely conserved on sequence alignment. The alteration is predicted deleterious by in silico models:_x000D_ The p.C312S alteration is predicted to be probably damaging by Polyphen and deleterious by SIFT in silico analyses. Based on the available evidence, this alteration is classified as pathogenic.

OMIM
Classification: Pathogenic for CONGENITAL HEART DEFECTS, MULTIPLE TYPES, 8. Last evaluated: 2021-12-10. Review status: no assertion criteria provided. Collection method: literature only. Allele origin: germline. Not counted in ClinVar's aggregate classification.

Literature cited by the submitters: PubMed 30157302 (cited by OMIM).